The following is an entry in ClinVar:

ClinVar aggregate classification (germline): Uncertain significance (1 of 4 stars; one submission).

Submission:

Labcorp Genetics (formerly Invitae), Labcorp
Classification: Uncertain significance. Last evaluated: 2023-04-01. Review status: criteria provided, single submitter. Criteria: Invitae Variant Classification Sherloc (09022015). Collection method: clinical testing. Allele origin: germline.
Comment: This sequence change replaces arginine, which is basic and polar, with leucine, which is neutral and non-polar, at codon 90 of the RHOBTB2 protein (p.Arg90Leu). This variant is not present in population databases (gnomAD no frequency). This variant has not been reported in the literature in individuals affected with RHOBTB2-related conditions. Advanced modeling of protein sequence and biophysical properties (such as structural, functional, and spatial information, amino acid conservation, physicochemical variation, residue mobility, and thermodynamic stability) has been performed at Invitae for this missense variant, however the output from this modeling did not meet the statistical confidence thresholds required to predict the impact of this variant on RHOBTB2 protein function. In summary, the available evidence is currently insufficient to determine the role of this variant in disease. Therefore, it has been classified as a Variant of Uncertain Significance.

NM_015178.3(RHOBTB2):c.203G>T (p.Arg68Leu)

Gene: RHOBTB2 (Rho related BTB domain containing 2; plus strand). Cytogenetic location: 8p21.3.
Variant type: single nucleotide variant.
Coding change: c.203G>T on transcript NM_015178.3 (MANE Select); coding-DNA position 203, G replaced by T.
Protein change: p.Arg68Leu; replaces arginine 68 with leucine.
Molecular consequence: missense variant.
Genome position (GRCh38, 1-based): chr8:23,005,382, G>T. VCF-style: chr8-23005382-G-T. GRCh37 (hg19) VCF-style: chr8-22862895-G-T.
Other names: c.269G>T, p.Arg90Leu (NM_001160036.2); c.224G>T, p.Arg75Leu (NM_001160037.2); c.203G>T, p.Arg68Leu (NM_001374791.1); short protein forms R90L, R68L, R75L.
Identifiers: ClinVar variation 2851376 (VCV002851376.3), dbSNP rs2486998599, ClinGen allele CA370560182.